The following is an entry in ClinVar:

NM_024120.5(NDUFAF5):c.836T>G (p.Met279Arg)

Gene: NDUFAF5 (NADH:ubiquinone oxidoreductase complex assembly factor 5; plus strand). Cytogenetic location: 20p12.1.
Variant type: single nucleotide variant.
Coding change: c.836T>G on transcript NM_024120.5 (MANE Select); coding-DNA position 836, T replaced by G.
Protein change: p.Met279Arg; replaces methionine 279 with arginine.
Molecular consequence: missense variant. On other transcripts: non-coding transcript variant (7).
Genome position (GRCh38, 1-based): chr20:13,816,520, T>G. VCF-style: chr20-13816520-T-G. GRCh37 (hg19) VCF-style: chr20-13797166-T-G.
Other names: c.752T>G, p.Met251Arg (NM_001039375.3); c.365T>G, p.Met122Arg (NM_001352403.2); c.275T>G, p.Met92Arg (NM_001352406.2, NM_001352407.2); short protein forms M279R, M122R, M251R, M92R.
Identifiers: ClinVar variation 225036 (VCV000225036.21), dbSNP rs761389904, ClinGen allele CA358016.

ClinVar aggregate classification (germline): Pathogenic/Likely pathogenic. Review status: criteria provided, multiple submitters, no conflicts (2 of 4 stars). 10 submissions from 9 submitters: Pathogenic (5); Likely pathogenic (3). 2 of the submissions do not count toward it. Last evaluated 2026-01-26.

Conditions:
Mitochondrial complex I deficiency, nuclear type 16. Also called: Mitochondrial complex 1 deficiency, nuclear type 16. Identifiers: MedGen C4748785, MONDO:0032621, OMIM 618238.
Mitochondrial complex I deficiency. Also called: NADH:Q(1) OXIDOREDUCTASE DEFICIENCY. Identifiers: Orphanet 2609, MedGen C1838979, MeSH C537475, MONDO:0100133.
Inborn genetic diseases. Identifiers: MedGen C0950123, MeSH D030342.
Leigh syndrome (NULS). Also called: Leigh Disease; Subacute necrotizing encephalopathy; Necrotizing encephalopathy infantile subacute of Leigh; Leigh's syndrome; LEIGH SYNDROME, NUCLEAR; Leigh Syndrome (mtDNA deletion). Identifiers: Orphanet 506, MedGen C2931891, MONDO:0009723, OMIM 256000.

Allele frequency attached by ClinVar (database versions not stated): TOPMed 0.00001; gnomAD 0.00002; ExAC 0.00004; gnomAD exomes 0.00006.
gnomAD v4.1: 13 of 1,614,000 alleles (0.00081%); highest among the groups gnomAD compares: East Asian, 0.029%; no homozygotes.

Submissions (10):

Medical and Scientific Branch, Hong Kong Genome Institute
Classification: Likely pathogenic for Mitochondrial complex I deficiency, nuclear type 16. Last evaluated: 2026-01-26. Review status: criteria provided, single submitter. Criteria: ACMG Guidelines, 2015. Collection method: clinical testing. Allele origin: biparental. Affected: yes.

Natera, Inc.
Classification: Pathogenic for Mitochondrial complex I deficiency. Last evaluated: 2025-10-07. Review status: criteria provided, single submitter. Criteria: Natera Variant Classification Schema (03/2026). Collection method: clinical testing. Allele origin: germline.
Comment: The c.836T>G variant in NDUFAF5 is a missense variant predicted to cause substitution of methionine to arginine at amino acid 279. This variant is rare in the general population with a frequency below the threshold expected for the associated phenotype(s). This variant has been observed in one or more individuals affected with the associated recessive disease, as either homozygous or compound heterozygous with a second variant (PMID: 30473481, 37752895). Given the available evidence, this variant is classified as Pathogenic.

Fulgent Genetics
Classification: Pathogenic for Mitochondrial complex I deficiency, nuclear type 16. Last evaluated: 2024-06-18. Review status: criteria provided, single submitter. Criteria: ACMG Guidelines, 2015. Collection method: clinical testing. Allele origin: germline.

Labcorp Genetics (formerly Invitae), Labcorp
Classification: Pathogenic. Last evaluated: 2024-03-13. Review status: criteria provided, single submitter. Criteria: Invitae Variant Classification Sherloc (09022015). Collection method: clinical testing. Allele origin: germline.
Comment: This sequence change replaces methionine, which is neutral and non-polar, with arginine, which is basic and polar, at codon 279 of the NDUFAF5 protein (p.Met279Arg). This variant is present in population databases (rs761389904, gnomAD 0.09%). This missense change has been observed in individuals with mitochondrial complex I deficiency (PMID: 29581464, 30473481, 30581749, 34177781). It has also been observed to segregate with disease in related individuals. ClinVar contains an entry for this variant (Variation ID: 225036). Advanced modeling of protein sequence and biophysical properties (such as structural, functional, and spatial information, amino acid conservation, physicochemical variation, residue mobility, and thermodynamic stability) has been performed at Invitae for this missense variant, however the output from this modeling did not meet the statistical confidence thresholds required to predict the impact of this variant on NDUFAF5 protein function. For these reasons, this variant has been classified as Pathogenic.

Baylor Genetics
Classification: Pathogenic for Mitochondrial complex I deficiency, nuclear type 16. Last evaluated: 2023-11-24. Review status: criteria provided, single submitter. Criteria: ACMG Guidelines, 2015. Collection method: clinical testing. Allele origin: unknown.

Women's Health and Genetics/Laboratory Corporation of America, LabCorp
Classification: Pathogenic for Leigh syndrome. Last evaluated: 2022-02-24. Review status: criteria provided, single submitter. Criteria: LabCorp Variant Classification Summary - May 2015. Collection method: clinical testing. Allele origin: germline.
Comment: Variant summary: NDUFAF5 c.836T>G (p.Met279Arg) results in a non-conservative amino acid change in the encoded protein sequence. Five of five in-silico tools predict a damaging effect of the variant on protein function. The variant allele was found at a frequency of 5.6e-05 in 251314 control chromosomes. This frequency is not significantly higher than expected for a pathogenic variant in NDUFAF5 causing Leigh Syndrome (5.6e-05 vs 0.00056), allowing no conclusion about variant significance. c.836T>G has been reported in the literature as homozygous and compound heterozygous genotypes in multiple well characterized and comprehensively sequenced (by WES) individuals of East Asian ancestry affected with heterogeneous phenotypes of mitochondrial complex 1 assembly gene deficiency such as Leigh Syndrome, neurodevelopmental delay accompanied by unexplained dyspnea, lactic acidosis and Bilateral striatal necrosis (BSN) (example, Farwell_2015, Tong_2018, Simon_2019, Bi_2021). These data indicate that the variant is very likely to be associated with disease. To our knowledge, no experimental evidence demonstrating an impact on protein function has been reported. Two clinical diagnostic laboratories and the OMIM database have submitted clinical-significance assessments for this variant to ClinVar after 2014 without evidence for independent evaluation (Pathogenic/Likely Pathogenic, n=2; VUS, n=1). Based on the evidence outlined above, the variant was classified as pathogenic.

Ambry Genetics
Classification: Likely pathogenic for Inborn genetic diseases. Last evaluated: 2013-09-12. Review status: criteria provided, single submitter. Criteria: Ambry Autosomal Dominant and X-Linked criteria (10/2015). Collection method: clinical testing. Allele origin: germline. Observed: 1 variant allele.

Juno Genomics, Hangzhou Juno Genomics, Inc
Classification: Likely pathogenic for Mitochondrial complex I deficiency, nuclear type 16. Review status: criteria provided, single submitter. Criteria: ACMG Guidelines, 2015. Collection method: clinical testing. Allele origin: germline.
Comment: Absent from controls (or at extremely low frequency if recessive) in Genome Aggregation Database.;Multiple lines of computational evidence support a deleterious effect on the gene or gene product.;For recessive disorders, detected in trans with a pathogenic variant.;Patient's phenotype or family history is highly specific for a disease with a single genetic etiology.

OMIM
Classification: Pathogenic for MITOCHONDRIAL COMPLEX I DEFICIENCY, NUCLEAR TYPE 16. Last evaluated: 2023-10-11. Review status: no assertion criteria provided. Collection method: literature only. Allele origin: germline. Not counted in ClinVar's aggregate classification.

Baylor Genetics
Classification: Uncertain significance for Mitochondrial complex I deficiency, nuclear type 1. Last evaluated: 2017-09-01. Review status: flagged submission. Criteria: ACMG Guidelines, 2015. Collection method: clinical testing. Allele origin: germline. Inheritance: Autosomal recessive inheritance. Affected: yes. Not counted in ClinVar's aggregate classification.
ClinVar note: Notes: Evidence summary says "likely pathogenicity" but lab submitted an interpretation of uncertain significance. Also, lab later submitted a pathogenic classification for the same condition.
ClinVar note: Reason: Other submission error

Literature cited by the submitters: PubMed 30473481 (cited by 4 submitters); PubMed 37752895 (cited by Natera, Inc.); PubMed 29581464 (cited by 3 submitters); PubMed 30581749 (cited by Labcorp Genetics (formerly Invitae), Labcorp); PubMed 34177781 (cited by Labcorp Genetics (formerly Invitae), Labcorp and Women's Health and Genetics/Laboratory Corporation of America, LabCorp); PubMed 25356970 (cited by Women's Health and Genetics/Laboratory Corporation of America, LabCorp); PubMed 25326635 (cited by Baylor Genetics).